The following is an entry in ClinVar:

NM_000540.3(RYR1):c.12136A>T (p.Met4046Leu)

Gene: RYR1 (ryanodine receptor 1; plus strand). Cytogenetic location: 19q13.2.
Variant type: single nucleotide variant.
Coding change: c.12136A>T on transcript NM_000540.3 (MANE Select); coding-DNA position 12136, A replaced by T.
Protein change: p.Met4046Leu; replaces methionine 4046 with leucine.
Molecular consequence: missense variant.
Genome position (GRCh38, 1-based): chr19:38,548,274, A>T. VCF-style: chr19-38548274-A-T. GRCh37 (hg19) VCF-style: chr19-39038914-A-T.
Other names: c.12121A>T, p.Met4041Leu (NM_001042723.2); short protein forms M4041L, M4046L.
Identifiers: ClinVar variation 4756658 (VCV004756658.1).

ClinVar aggregate classification (germline): Uncertain significance (1 of 4 stars; one submission).

Conditions:
Malignant hyperthermia, susceptibility to, 1 (MHS1). Also called: RYR1-Related Malignant Hyperthermia Susceptibility; Malignant hyperthermia suceptibility 1; Anesthesia related hyperthermia; Malignant hyperpyrexia; Fulminating hyperpyrexia; Pharmacogenic myopathy. Identifiers: Orphanet 423, MedGen C2930980, MONDO:0007783, OMIM 145600.

Submission:

Color Diagnostics, LLC DBA Color Health
Classification: Uncertain significance for Malignant hyperthermia, susceptibility to, 1. Last evaluated: 2025-05-30. Review status: criteria provided, single submitter. Criteria: ACMG Guidelines, 2015. Collection method: clinical testing. Allele origin: germline.
Comment: This missense variant replaces methionine with leucine at codon 4046 of the RYR1 protein. Computational prediction suggests that this variant may not impact protein structure and function. To our knowledge, functional studies have not been reported for this variant. This variant has not been reported in individuals affected with RYR1-related disorders in the literature. This variant has not been identified in the general population by the Genome Aggregation Database (gnomAD). The available evidence is insufficient to determine the role of this variant in disease conclusively. Therefore, this variant is classified as a Variant of Uncertain Significance.